The following is an entry in ClinVar:

ClinVar aggregate classification (germline): Likely benign. Review status: criteria provided, single submitter (1 of 4 stars). 2 submissions from 2 submitters: Likely benign (1). 1 of the submissions does not count toward it. Last evaluated 2018-01-02.

Conditions:
TSC2-related disorder. Also called: TSC2-related condition; TSC2-Related Disorders.

Allele frequency attached by ClinVar (database versions not stated): TOPMed 0.00002.
gnomAD v4.1: 3 of 1,424,826 alleles (0.00021%); highest among the groups gnomAD compares: South Asian, 0.0015%; no homozygotes.

Submissions (2):

GeneDx
Classification: Likely benign. Last evaluated: 2018-01-02. Review status: criteria provided, single submitter. Criteria: GeneDx Variant Classification (06012015). Collection method: clinical testing. Allele origin: germline. Affected: yes.
Comment: This variant is considered likely benign or benign based on one or more of the following criteria: it is a conservative change, it occurs at a poorly conserved position in the protein, it is predicted to be benign by multiple in silico algorithms, and/or has population frequency not consistent with disease.

PreventionGenetics, part of Exact Sciences
Classification: Likely benign for TSC2-related condition. Last evaluated: 2021-03-09. Review status: no assertion criteria provided. Collection method: clinical testing. Allele origin: germline. Not counted in ClinVar's aggregate classification.
Comment: This variant is classified as likely benign based on ACMG/AMP sequence variant interpretation guidelines (Richards et al. 2015 PMID: 25741868, with internal and published modifications).

NM_000548.5(TSC2):c.-36G>A

Genes: TSC2 (TSC complex subunit 2; plus strand), LOC130058210 (ATAC-STARR-seq lymphoblastoid silent region 7024; plus strand). Cytogenetic location: 16p13.3.
Variant type: single nucleotide variant.
Coding change: c.-36G>A on transcript NM_000548.5 (MANE Select); 36 bases upstream of the start codon, G replaced by A.
Molecular consequence: 5 prime UTR variant.
Genome position (GRCh38, 1-based): chr16:2,048,059, G>A. VCF-style: chr16-2048059-G-A. GRCh37 (hg19) VCF-style: chr16-2098060-G-A.
Other names: c.-36G>A (NM_001077183.3, NM_001114382.3, NM_001318827.2 and 5 more transcripts); c.-16G>A (NM_001318829.2); c.-262G>A (NM_001318831.2).
Identifiers: ClinVar variation 507556 (VCV000507556.3), dbSNP rs903216714, ClinGen allele CA658798462.